The following is an entry in ClinVar:

ClinVar aggregate classification (germline): Uncertain significance (1 of 4 stars; one submission).

Submission:

Ambry Genetics
Classification: Uncertain significance. Last evaluated: 2021-08-14. Review status: criteria provided, single submitter. Criteria: Ambry Variant Classification Scheme 2023. Collection method: clinical testing. Allele origin: germline.
Comment: The p.T508N variant (also known as c.1523C>A), located in coding exon 14 of the RAD54L gene, results from a C to A substitution at nucleotide position 1523. The threonine at codon 508 is replaced by asparagine, an amino acid with similar properties. This amino acid position is conserved. In addition, the in silico prediction for this alteration is inconclusive. Since supporting evidence is limited at this time, the clinical significance of this alteration remains unclear.

NM_003579.4(RAD54L):c.1523C>A (p.Thr508Asn)

Gene: RAD54L (RAD54 like; plus strand). Cytogenetic location: 1p34.1.
Variant type: single nucleotide variant.
Coding change: c.1523C>A on transcript NM_003579.4 (MANE Select); coding-DNA position 1523, C replaced by A.
Protein change: p.Thr508Asn; replaces threonine 508 with asparagine.
Molecular consequence: missense variant.
Genome position (GRCh38, 1-based): chr1:46,273,660, C>A. VCF-style: chr1-46273660-C-A. GRCh37 (hg19) VCF-style: chr1-46739332-C-A.
Other names: c.1523C>A, p.Thr508Asn (NM_001142548.2); c.983C>A, p.Thr328Asn (NM_001370766.1); short protein forms T508N, T328N.
Identifiers: ClinVar variation 1774473 (VCV001774473.2), dbSNP rs573607021, ClinGen allele CA340181983.